The following is an entry in ClinVar:

ClinVar aggregate classification (germline): Uncertain significance (1 of 4 stars; one submission).

Conditions:
Glycogen storage disease, type VI (GSD6). Also called: Glycogen storage disease type 6, due to phosphorylation; GSD VI; Glycogen storage disease type 6; Hepatic glycogen phosphorylase deficiency; PHOSPHORYLASE DEFICIENCY GLYCOGEN-STORAGE DISEASE OF LIVER; HERS DISEASE. Identifiers: Orphanet 369, MedGen C0017925, MONDO:0009294, OMIM 232700.

Allele frequency attached by ClinVar (database versions not stated): gnomAD exomes below 0.00001 and 0.00001; ExAC 0.00001; gnomAD 0.00001; TOPMed 0.00002.
gnomAD v4.1: 13 of 1,613,032 alleles (0.00081%); highest among the groups gnomAD compares: East Asian, 0.0045%; no homozygotes.

Submission:

Labcorp Genetics (formerly Invitae), Labcorp
Classification: Uncertain significance for Glycogen storage disease, type VI. Last evaluated: 2023-08-17. Review status: criteria provided, single submitter. Criteria: Invitae Variant Classification Sherloc (09022015). Collection method: clinical testing. Allele origin: germline.
Comment: This sequence change replaces arginine, which is basic and polar, with glutamine, which is neutral and polar, at codon 270 of the PYGL protein (p.Arg270Gln). This variant is present in population databases (rs755488866, gnomAD 0.007%). This variant has not been reported in the literature in individuals affected with PYGL-related conditions. ClinVar contains an entry for this variant (Variation ID: 1422338). Advanced modeling of protein sequence and biophysical properties (such as structural, functional, and spatial information, amino acid conservation, physicochemical variation, residue mobility, and thermodynamic stability) performed at Invitae indicates that this missense variant is not expected to disrupt PYGL protein function. In summary, the available evidence is currently insufficient to determine the role of this variant in disease. Therefore, it has been classified as a Variant of Uncertain Significance.

NM_002863.5(PYGL):c.809G>A (p.Arg270Gln)

Gene: PYGL (glycogen phosphorylase L; minus strand). Cytogenetic location: 14q22.1.
Variant type: single nucleotide variant.
Coding change: c.809G>A on transcript NM_002863.5 (MANE Select); coding-DNA position 809, G replaced by A.
Protein change: p.Arg270Gln; replaces arginine 270 with glutamine.
Molecular consequence: missense variant.
Genome position (GRCh38, 1-based): chr14:50,920,587, C>T on the plus strand (G>A on the coding strand, the complement: PYGL is on the minus strand). VCF-style: chr14-50920587-C-T. GRCh37 (hg19) VCF-style: chr14-51387305-C-T.
Other names: c.707G>A, p.Arg236Gln (NM_001163940.2); short protein forms R270Q, R236Q.
Identifiers: ClinVar variation 1422338 (VCV001422338.6), dbSNP rs755488866, ClinGen allele CA7183656.